The following is an entry in ClinVar:

ClinVar aggregate classification (germline): Uncertain significance. Review status: criteria provided, multiple submitters, no conflicts (2 of 4 stars). 2 submissions from 2 submitters: Uncertain significance (2). Last evaluated 2025-06-08.

Conditions:
Inborn genetic diseases. Identifiers: MedGen C0950123, MeSH D030342.
Fanconi anemia (FA). Also called: Fanconi's anemia. Identifiers: Orphanet 84, MedGen C0015625, MeSH D005199, MONDO:0019391.

Allele frequency attached by ClinVar (database versions not stated): TOPMed below 0.00001; gnomAD 0.00001.
gnomAD v4.1: 1 of 1,614,056 alleles (0.000062%); highest among the groups gnomAD compares: African/African-American, 0.0013%; no homozygotes.

Submissions (2):

Ambry Genetics
Classification: Uncertain significance for Inborn genetic diseases. Last evaluated: 2025-06-08. Review status: criteria provided, single submitter. Criteria: Ambry Variant Classification Scheme 2023. Collection method: clinical testing. Allele origin: germline.
Comment: The p.V139M variant (also known as c.415G>A), located in coding exon 4 of the FANCA gene, results from a G to A substitution at nucleotide position 415. The valine at codon 139 is replaced by methionine, an amino acid with highly similar properties. This amino acid position is conserved. In addition, this alteration is predicted to be tolerated by in silico analysis. Based on the available evidence, the clinical significance of this variant remains unclear.

Labcorp Genetics (formerly Invitae), Labcorp
Classification: Uncertain significance for Fanconi anemia. Last evaluated: 2022-01-25. Review status: criteria provided, single submitter. Criteria: Invitae Variant Classification Sherloc (09022015). Collection method: clinical testing. Allele origin: germline.
Comment: In summary, the available evidence is currently insufficient to determine the role of this variant in disease. Therefore, it has been classified as a Variant of Uncertain Significance. Advanced modeling of protein sequence and biophysical properties (such as structural, functional, and spatial information, amino acid conservation, physicochemical variation, residue mobility, and thermodynamic stability) performed at Invitae indicates that this missense variant is not expected to disrupt FANCA protein function. This variant has not been reported in the literature in individuals affected with FANCA-related conditions. This variant is not present in population databases (gnomAD no frequency). This sequence change replaces valine, which is neutral and non-polar, with methionine, which is neutral and non-polar, at codon 139 of the FANCA protein (p.Val139Met).

NM_000135.4(FANCA):c.415G>A (p.Val139Met)

Gene: FANCA (FA complementation group A; minus strand). Cytogenetic location: 16q24.3.
Variant type: single nucleotide variant.
Coding change: c.415G>A on transcript NM_000135.4 (MANE Select); coding-DNA position 415, G replaced by A.
Protein change: p.Val139Met; replaces valine 139 with methionine.
Molecular consequence: missense variant.
Genome position (GRCh38, 1-based): chr16:89,810,940, C>T on the plus strand (G>A on the coding strand, the complement: FANCA is on the minus strand). VCF-style: chr16-89810940-C-T. GRCh37 (hg19) VCF-style: chr16-89877348-C-T.
Other names: c.415G>A, p.Val139Met (NM_001018112.3, NM_001286167.3, NM_001351830.2); short protein forms V139M.
Identifiers: ClinVar variation 2142868 (VCV002142868.5), dbSNP rs2040853696, ClinGen allele CA397480879.
Genomic context (GRCh38, chr16:89,810,940, plus strand): 5'-GCTTAAAAGTAACAACGGGCAGGTTTCCTCATCTTTGCTGGTGTCTTACTCTCTGCTCCA[C>T]AGTCAGCAGCACAGGGTGACTGGTCTCCGCTGGAGCCGTGCAGATCTGTCCCACGCTAGA-3'
Protein context (NP_000126.2, residues 129-149): AETSHPVLLT[Val139Met]EQRKKLSSLL